The following is an entry in ClinVar:

NM_019842.4(KCNQ5):c.1270C>G (p.Arg424Gly)

Gene: KCNQ5 (potassium voltage-gated channel subfamily Q member 5; plus strand). Cytogenetic location: 6q13.
Variant type: single nucleotide variant.
Coding change: c.1270C>G on transcript NM_019842.4 (MANE Select); coding-DNA position 1270, C replaced by G.
Protein change: p.Arg424Gly; replaces arginine 424 with glycine.
Molecular consequence: missense variant. On other transcripts: intron variant (1).
Genome position (GRCh38, 1-based): chr6:73,133,443, C>G. VCF-style: chr6-73133443-C-G. GRCh37 (hg19) VCF-style: chr6-73843166-C-G.
Other names: c.1243C>G, p.Arg415Gly (NM_001160130.2); c.1300C>G, p.Arg434Gly (NM_001160132.2); c.1327C>G, p.Arg443Gly (NM_001160133.2); c.1247+8931C>G (NM_001160134.2); short protein forms R415G, R424G, R434G, R443G.
Identifiers: ClinVar variation 3359886 (VCV003359886.1).

ClinVar aggregate classification (germline): Uncertain significance (1 of 4 stars; one submission).

Submission:

GeneDx
Classification: Uncertain significance. Last evaluated: 2023-08-10. Review status: criteria provided, single submitter. Criteria: GeneDx Variant Classification Process June 2021. Collection method: clinical testing. Allele origin: germline. Affected: yes.
Comment: Not observed at significant frequency in large population cohorts (gnomAD); In silico analysis supports that this missense variant has a deleterious effect on protein structure/function; Observed in at least one heterozygous clinically unaffected adult relative of an individual referred for genetic testing at GeneDx; Has not been previously published as pathogenic or benign to our knowledge